The following is an entry in ClinVar:

ClinVar aggregate classification (germline): Likely pathogenic (1 of 4 stars; one submission).

Submission:

GeneDx
Classification: Likely pathogenic. Last evaluated: 2020-12-08. Review status: criteria provided, single submitter. Criteria: GeneDx Variant Classification Process June 2021. Collection method: clinical testing. Allele origin: germline. Affected: yes.
Comment: Not observed in large population cohorts (Lek et al., 2016); In silico analysis supports a deleterious effect on splicing; Has not been previously published as pathogenic or benign to our knowledge

NM_001368894.2(PAX6):c.959-9T>A

Gene: PAX6 (paired box 6; minus strand). Cytogenetic location: 11p13.
Variant type: single nucleotide variant.
Coding change: c.959-9T>A on transcript NM_001368894.2 (MANE Select); 9 bases into the intron before coding-DNA position 959, T replaced by A.
Molecular consequence: intron variant.
Genome position (GRCh38, 1-based): chr11:31,793,562, A>T on the plus strand (T>A on the coding strand, the complement: PAX6 is on the minus strand). VCF-style: chr11-31793562-A-T. GRCh37 (hg19) VCF-style: chr11-31815110-A-T.
Other names: c.917-9T>A (NM_001127612.3, NM_001368890.2, NM_001368888.2 and 10 more transcripts); c.758-9T>A (NM_001368921.2, NM_001368923.2, NM_001368926.2 and 4 more transcripts); c.959-9T>A (NM_001258462.3, NM_001310158.2, NM_001258463.2 and 6 more transcripts); c.1034-9T>A (NM_001368919.2, NM_001368918.2); c.1160-9T>A (NM_001368910.2); c.509-9T>A (NM_001368909.2, NM_001368904.2, NM_001368905.2 and 11 more transcripts); c.962-9T>A (NM_001368911.2); c.716-9T>A (NM_001368928.2); and 2 more.
Identifiers: ClinVar variation 372443 (VCV000372443.5), dbSNP rs1057517784, ClinGen allele CA16042843.